The following is an entry in ClinVar:

NM_007347.5(AP4E1):c.1566C>G (p.Ser522=)

Gene: AP4E1 (adaptor related protein complex 4 subunit epsilon 1; plus strand). Cytogenetic location: 15q21.2.
Variant type: single nucleotide variant.
Coding change: c.1566C>G on transcript NM_007347.5 (MANE Select); coding-DNA position 1566, C replaced by G.
Protein change: p.Ser522=; no amino-acid change (serine 522 retained).
Molecular consequence: synonymous variant.
Genome position (GRCh38, 1-based): chr15:50,958,509, C>G. VCF-style: chr15-50958509-C-G. GRCh37 (hg19) VCF-style: chr15-51250706-C-G.
Other names: p.Ser522=; c.1341C>G, p.Ser447= (NM_001252127.2).
Identifiers: ClinVar variation 390912 (VCV000390912.51), dbSNP rs78870657, ClinGen allele CA7559118.

ClinVar aggregate classification (germline): Likely benign. Review status: criteria provided, multiple submitters, no conflicts (2 of 4 stars). 6 submissions from 6 submitters: Likely benign (6). Last evaluated 2026-09-01.

Conditions:
Spastic paraplegia. Identifiers: MedGen C0037772, HP:0001258.

Allele frequency attached by ClinVar (database versions not stated): gnomAD 0.00035 and 0.00040; TOPMed 0.00042; ESP Exome Variant Server 0.00046; gnomAD exomes 0.00055 and 0.00061; 1000 Genomes Project 30x 0.00078; ExAC 0.00078; 1000 Genomes Project 0.00080.
gnomAD v4.1: 950 of 1,612,216 alleles (0.059%); highest among the groups gnomAD compares: South Asian, 0.071%; 2 homozygotes.

Submissions (6):

CeGaT Center for Human Genetics Tuebingen
Classification: Likely benign. Last evaluated: 2026-09-01. Review status: criteria provided, single submitter. Criteria: CeGaT Center For Human Genetics Tuebingen Variant Classification Criteria Version 2. Collection method: clinical testing. Allele origin: germline. Affected: yes. Observed: 5 variant alleles.
Comment: AP4E1: BP4, BP7

Labcorp Genetics (formerly Invitae), Labcorp
Classification: Likely benign for Spastic paraplegia. Last evaluated: 2026-02-03. Review status: criteria provided, single submitter. Criteria: Invitae Variant Classification Sherloc (09022015). Collection method: clinical testing. Allele origin: germline.

Mayo Clinic Laboratories, Mayo Clinic
Classification: Likely benign. Last evaluated: 2025-10-22. Review status: criteria provided, single submitter. Criteria: ACMG Guidelines, 2015. Collection method: clinical testing. Allele origin: germline. Observed: 2 variant alleles.
Comment: BP4, BP7

Blueprint Genetics
Classification: Likely benign. Last evaluated: 2024-11-19. Review status: criteria provided, single submitter. Criteria: ACMG Guidelines, 2015. Collection method: clinical testing. Allele origin: germline.

Genetic Services Laboratory, University of Chicago
Classification: Likely benign. Last evaluated: 2016-12-15. Review status: criteria provided, single submitter. Criteria: ACMG Guidelines, 2015. Collection method: clinical testing. Allele origin: germline. Affected: no.

GeneDx
Classification: Likely benign. Last evaluated: 2016-11-18. Review status: criteria provided, single submitter. Criteria: GeneDx Variant Classification (06012015). Collection method: clinical testing. Allele origin: germline. Affected: yes.
Comment: This variant is considered likely benign or benign based on one or more of the following criteria: it is a conservative change, it occurs at a poorly conserved position in the protein, it is predicted to be benign by multiple in silico algorithms, and/or has population frequency not consistent with disease.